The following is an entry in ClinVar:

NM_000112.4(SLC26A2):c.532C>T (p.Arg178Ter)

Gene: SLC26A2 (solute carrier family 26 member 2; plus strand). Cytogenetic location: 5q32.
Variant type: single nucleotide variant.
Coding change: c.532C>T on transcript NM_000112.4 (MANE Select); coding-DNA position 532, C replaced by T.
Protein change: p.Arg178Ter; replaces arginine 178 with a stop codon.
Molecular consequence: nonsense.
Genome position (GRCh38, 1-based): chr5:149,978,184, C>T. VCF-style: chr5-149978184-C-T. GRCh37 (hg19) VCF-style: chr5-149357747-C-T.
Other names: DTDST; short protein forms R178*.
Identifiers: ClinVar variation 4092 (VCV000004092.51), dbSNP rs104893919, ClinGen allele CA259839.

ClinVar aggregate classification (germline): Pathogenic. Review status: criteria provided, multiple submitters, no conflicts (2 of 4 stars). 28 submissions from 24 submitters: Pathogenic (19). 9 of the submissions do not count toward it. Last evaluated 2026-08-06.

Conditions:
SLC26A2-related disorder. Also called: SLC26A2-related disorders; SLC26A2-related condition. Identifiers: MedGen CN239404.
Diastrophic dysplasia (DTD). Also called: Diastrophic dwarfism. Identifiers: Orphanet 628, MedGen C0220726, MONDO:0009107, OMIM 222600.
Atelosteogenesis type II (AO2). Also called: SLC26A2-Related Atelosteogenesis; Neonatal osseous dysplasia 1; NEONATAL OSSEOUS DYSPLASIA I. Identifiers: Orphanet 56304, MedGen C1850554, MONDO:0009727, OMIM 256050.
Achondrogenesis, type IB (ACG1B). Also called: Achondrogenesis Type 1B. Identifiers: Orphanet 932, Orphanet 93298, MedGen C0265274, MONDO:0010966, OMIM 600972.
Multiple epiphyseal dysplasia type 4 (EDM4). Also called: Multiple Epiphyseal Dysplasia, Recessive; MULTIPLE EPIPHYSEAL DYSPLASIA WITH BILAYERED PATELLAE; MULTIPLE EPIPHYSEAL DYSPLASIA WITH CLUBFOOT; MULTIPLE EPIPHYSEAL DYSPLASIA, AUTOSOMAL RECESSIVE; SLC26A2-Related Multiple Epiphyseal Dysplasia. Identifiers: Orphanet 93307, MedGen C1847593, MONDO:0009189, OMIM 226900.
Sulfate transporter-related osteochondrodysplasia. Also called: DTDST-related dysplasias. Identifiers: MedGen CN120497. Disease mechanism: loss of function.
3MC syndrome 2. Also called: OCULO-SKELETAL-ABDOMINAL SYNDROME; OSA SYNDROME; PTOSIS OF EYELIDS WITH DIASTASIS RECTI AND HIP DYSPLASIA. Identifiers: Orphanet 293843, MedGen C0796279, MONDO:0009927, OMIM 265050.

Allele frequency attached by ClinVar (database versions not stated): ExAC 0.00011; gnomAD 0.00011 and 0.00012; TOPMed 0.00013; gnomAD exomes 0.00009 and 0.00013.
gnomAD v4.1: 156 of 1,612,622 alleles (0.0097%); highest among the groups gnomAD compares: Admixed American, 0.025%; no homozygotes.

Submissions 1 to 13 of 28:

OLLIN Analises Genomicas, OLLIN
Classification: Pathogenic for Multiple epiphyseal dysplasia type 4. Last evaluated: 2026-08-06. Review status: criteria provided, single submitter. Criteria: ACMG Guidelines 2015 PMID 25741868. Collection method: clinical testing. Allele origin: germline. Inheritance: Autosomal recessive inheritance.
Comment: This nonsense variant, located in exon 2 (of 3), has been reported in ClinVar (accession VCV000004092.49), in gnomAD with an allele frequency of 0.0097%, and in the scientific literature, in compound heterozygosity, in individuals with SLC26A2 related disorders (PMID: 15294877, 11448940, 8528239, 21155763, 18925670). This variant introduces a premature stop codon, which is predicted to result in either a truncated protein or degradation of the mRNA via nonsense-mediated decay (NMD). Functional studies suggest that this variant may affect protein function (PMID: 15294877, 11448940). According to the currently available evidence, this variant has been classified as pathogenic (PVS1, PS3_M, PM2_P, PM3_VS).

Labcorp Genetics (formerly Invitae), Labcorp
Classification: Pathogenic for Atelosteogenesis type II; Multiple epiphyseal dysplasia type 4; Achondrogenesis, type IB; Diastrophic dysplasia. Last evaluated: 2026-01-26. Review status: criteria provided, single submitter. Criteria: Invitae Variant Classification Sherloc (09022015). Collection method: clinical testing. Allele origin: germline.
Comment: This sequence change creates a premature translational stop signal (p.Arg178*) in the SLC26A2 gene. It is expected to result in an absent or disrupted protein product. Loss-of-function variants in SLC26A2 are known to be pathogenic (PMID: 7923357, 10482955, 11241838). This variant is present in population databases (rs104893919, gnomAD 0.03%). This premature translational stop signal has been observed in individuals with SLC26A2-related disease (PMID: 8528239, 15316973, 18925670, 21155763). ClinVar contains an entry for this variant (Variation ID: 4092). Algorithms developed to predict the effect of sequence changes on RNA splicing suggest that this variant may disrupt the consensus splice site. For these reasons, this variant has been classified as Pathogenic.

Natera, Inc.
Classification: Pathogenic for Achondrogenesis type IB. Last evaluated: 2025-12-30. Review status: criteria provided, single submitter. Criteria: Natera Variant Classification Schema (03/2026). Collection method: clinical testing. Allele origin: germline.
Comment: The c.532C>T variant in SLC26A2 is a nonsense variant predicted to introduce a stop codon at amino acid 178. This variant is expected to result in nonsense mediated decay, truncation, or a dysfunctional protein product. This variant is rare in the general population with a frequency below the threshold expected for the associated phenotype(s). This variant has been observed in one or more individuals affected with the associated recessive disease, as either homozygous or compound heterozygous with a second variant (PMID: 21155763). Additionally, this variant has been observed to segregate in affected family members (PMID: 21155763). Given the available evidence, this variant is classified as Pathogenic.

Laboratory of Genetics, Children's Clinical University Hospital Latvia
Classification: Pathogenic. Last evaluated: 2025-02-16. Review status: criteria provided, single submitter. Criteria: ACMG Guidelines, 2015. Collection method: clinical testing. Allele origin: germline. Affected: yes.

Rady Children's Institute for Genomic Medicine, Rady Children's Hospital San Diego
Classification: Pathogenic for SLC26A2-related disorders. Last evaluated: 2025-01-18. Review status: criteria provided, single submitter. Criteria: ACMG Guidelines, 2015. Collection method: clinical testing. Allele origin: germline. Affected: yes.
Comment: This nonsense variant found in exon 2 of 3 is predicted to result in loss of normal protein function through either protein truncation or nonsense-mediated mRNA decay. Loss-of-function variation in SLC26A2 is an established mechanism of disease (PMID: 11241838). This variant is one of the most common SLC26A2 pathogenic variants (PMID: 20301524). It has been previously reported as a compound heterozygous change in patients with SLC26A2-related disorders (PMID: 8528239, 15316973, 18925670, 21155763). Functional studies indicate this variant may lead to reduced sulfate transport function (PMID: 11448940, 15294877). The c.532C>T (p.Arg178Ter) variant is present in the latest version of the gnomAD population database at an allele frequency of 0.01% (37/282400), and is absent in the homozygous state, thus is presumed to be rare. Based on the available evidence, c.532C>T (p.Arg178Ter) is classified as Pathogenic.

Blueprint Genetics
Classification: Pathogenic for SLC26A2-related disorders. Last evaluated: 2024-10-23. Review status: criteria provided, single submitter. Criteria: ACMG Guidelines, 2015. Collection method: clinical testing. Allele origin: germline. Affected: yes. Observed: 5 variant alleles.

Fulgent Genetics
Classification: Pathogenic for Diastrophic dysplasia; Multiple epiphyseal dysplasia type 4; Atelosteogenesis type II; Achondrogenesis, type IB. Last evaluated: 2024-06-05. Review status: criteria provided, single submitter. Criteria: ACMG Guidelines, 2015. Collection method: clinical testing. Allele origin: germline.

GeneDx
Classification: Pathogenic. Last evaluated: 2024-05-10. Review status: criteria provided, single submitter. Criteria: GeneDx Variant Classification Process June 2021. Collection method: clinical testing. Allele origin: germline. Affected: yes.
Comment: Common pathogenic variant associated with SLC26A2-related chondrodysplasias, typically associated with a severe phenotype when in trans with a second loss-of-function variant (PMID: 21155763, 11241838); Nonsense variant predicted to result in protein truncation or nonsense mediated decay in a gene for which loss-of-function is a known mechanism of disease; This variant is associated with the following publications: (PMID: 26990548, 11241838, 8528239, 18925670, 15294877, 11448940, 31589614, 31345219, 35587316, 36007841, 32333414, 21155763, 15316973)

Baylor Genetics
Classification: Pathogenic for Achondrogenesis, type IB. Last evaluated: 2024-03-28. Review status: criteria provided, single submitter. Criteria: ACMG Guidelines, 2015. Collection method: clinical testing. Allele origin: unknown.

Revvity Omics, Revvity
Classification: Pathogenic. Last evaluated: 2022-01-17. Review status: criteria provided, single submitter. Criteria: ACMG Guidelines, 2015. Collection method: clinical testing. Allele origin: germline.

Dasa
Classification: Pathogenic for Atelosteogenesis type II. Last evaluated: 2022-01-05. Review status: criteria provided, single submitter. Criteria: ACMG Guidelines, 2015. Collection method: clinical testing. Allele origin: germline. Affected: yes. Observed: 1 variant allele.
Comment: The c.532C>T;p.(Arg178*) variant creates a premature translational stop signal in the SLC26A2 gene. It is expected to result in an absent or disrupted protein product - PVS1. This sequence change has been observed in affected individual(s) and ClinVar contains an entry for this variant (Clinvar ID: 4092; PMID: 20301524; 21155763; 18925670; 15316973; 11241838) - PS4. Well-established in vitro or in vivo functional studies support a damaging effect on the gene or gene product (PMID: 11448940; 15294877) - PS3_moderate. The variant is present at low allele frequencies population databases (rs104893919 – gnomAD 0.01118%; ABraOM 0.000854 frequency) - PM2_supporting. The p.(Arg178*) was detected in trans with a pathogenic variant (PMID: 21155763; 18925670; 15316973) - PM3_strong. In summary, the currently available evidence indicates that the variant is pathogenic.

Myriad Genetics, Inc.
Classification: Pathogenic for Multiple epiphyseal dysplasia type 4. Last evaluated: 2019-12-11. Review status: criteria provided, single submitter. Criteria: Myriad Women's Health Autosomal Recessive and X-Linked Classification Criteria (2019). Collection method: clinical testing. Allele origin: unknown.
Comment: NM_000112.3(SLC26A2):c.532C>T(R178*) is classified as pathogenic in the context of SLC26A2-related disorders and is associated with Achondrogenesis Type 1B. Sources cited for classification include the following: PMID 11448940, 21155763 and 8528239. Classification of NM_000112.3(SLC26A2):c.532C>T(R178*) is based on the following criteria: The variant causes a premature termination codon that is expected to be targeted by nonsense-mediated mRNA decay and is reported in individuals with the relevant phenotype. Please note: this variant was assessed in the context of healthy population screening.â€šÃ„Ã¶âˆšÃ‘âˆšÂ£

Myriad Genetics, Inc.
Classification: Pathogenic for Diastrophic dysplasia. Last evaluated: 2019-12-11. Review status: criteria provided, single submitter. Criteria: Myriad Women's Health Autosomal Recessive and X-Linked Classification Criteria (2019). Collection method: clinical testing. Allele origin: unknown.
Comment: the same text as in the submission from Myriad Genetics, Inc. above.